The following is an entry in ClinVar:

NM_001378452.1(ITPR1):c.731A>G (p.His244Arg)

Gene: ITPR1 (inositol 1,4,5-trisphosphate receptor type 1; plus strand). Cytogenetic location: 3p26.1.
Variant type: single nucleotide variant.
Coding change: c.731A>G on transcript NM_001378452.1 (MANE Select); coding-DNA position 731, A replaced by G.
Protein change: p.His244Arg; replaces histidine 244 with arginine.
Molecular consequence: missense variant.
Genome position (GRCh38, 1-based): chr3:4,645,604, A>G. VCF-style: chr3-4645604-A-G. GRCh37 (hg19) VCF-style: chr3-4687288-A-G.
Other names: c.731A>G, p.His244Arg (NM_001099952.4, NM_001168272.2, NM_002222.7); short protein forms H244R.
Identifiers: ClinVar variation 427186 (VCV000427186.10), dbSNP rs1085308010, ClinGen allele CA351636412.

ClinVar aggregate classification (germline): Pathogenic/Likely pathogenic. Review status: criteria provided, multiple submitters, no conflicts (2 of 4 stars). 3 submissions from 3 submitters: Pathogenic (2); Likely pathogenic (1). Last evaluated 2025-06-17.

Submissions (3):

Labcorp Genetics (formerly Invitae), Labcorp
Classification: Pathogenic. Last evaluated: 2025-06-17. Review status: criteria provided, single submitter. Criteria: Invitae Variant Classification Sherloc (09022015). Collection method: clinical testing. Allele origin: germline.
Comment: This sequence change replaces histidine, which is basic and polar, with arginine, which is basic and polar, at codon 244 of the ITPR1 protein (p.His244Arg). This variant is not present in population databases (gnomAD no frequency). This missense change has been observed in individual(s) with clinical features of spinocerebellar ataxia (PMID: 36305856). In at least one individual the variant was observed to be de novo. ClinVar contains an entry for this variant (Variation ID: 427186). Invitae Evidence Modeling of protein sequence and biophysical properties (such as structural, functional, and spatial information, amino acid conservation, physicochemical variation, residue mobility, and thermodynamic stability) indicates that this missense variant is expected to disrupt ITPR1 protein function with a positive predictive value of 95%. For these reasons, this variant has been classified as Pathogenic.

GeneDx
Classification: Pathogenic. Last evaluated: 2023-12-13. Review status: criteria provided, single submitter. Criteria: GeneDx Variant Classification Process June 2021. Collection method: clinical testing. Allele origin: germline. Affected: yes.
Comment: Not observed at significant frequency in large population cohorts (gnomAD); In silico analysis supports that this missense variant has a deleterious effect on protein structure/function; This variant is associated with the following publications: (PMID: 36305856)

Genetic Services Laboratory, University of Chicago
Classification: Likely pathogenic. Last evaluated: 2017-08-15. Review status: criteria provided, single submitter. Criteria: ACMG Guidelines, 2015. Collection method: clinical testing. Allele origin: germline. Affected: yes.

Literature cited by the submitters: PubMed 36305856 (cited by Labcorp Genetics (formerly Invitae), Labcorp).